The following is an entry in ClinVar:

NM_022725.4(FANCF):c.668A>C (p.Glu223Ala)

Gene: FANCF (FA complementation group F; minus strand). Cytogenetic location: 11p14.3.
Variant type: single nucleotide variant.
Coding change: c.668A>C on transcript NM_022725.4 (MANE Select); coding-DNA position 668, A replaced by C.
Protein change: p.Glu223Ala; replaces glutamic acid 223 with alanine.
Molecular consequence: missense variant.
Genome position (GRCh38, 1-based): chr11:22,625,143, T>G on the plus strand (A>C on the coding strand, the complement: FANCF is on the minus strand). VCF-style: chr11-22625143-T-G. GRCh37 (hg19) VCF-style: chr11-22646689-T-G.
Other names: short protein forms E223A.
Identifiers: ClinVar variation 2709031 (VCV002709031.3), dbSNP rs1858623267, ClinGen allele CA380058573.

ClinVar aggregate classification (germline): Uncertain significance (1 of 4 stars; one submission).

Conditions:
Fanconi anemia (FA). Also called: Fanconi's anemia. Identifiers: Orphanet 84, MedGen C0015625, MeSH D005199, MONDO:0019391.

Allele frequency attached by ClinVar (database versions not stated): gnomAD exomes below 0.00001; TOPMed below 0.00001.
gnomAD v4.1: 1 of 1,608,198 alleles (0.000062%); highest among the groups gnomAD compares: Non-Finnish European, 0.000085%; no homozygotes.

Submission:

Labcorp Genetics (formerly Invitae), Labcorp
Classification: Uncertain significance for Fanconi anemia. Last evaluated: 2023-10-29. Review status: criteria provided, single submitter. Criteria: Invitae Variant Classification Sherloc (09022015). Collection method: clinical testing. Allele origin: germline.
Comment: This sequence change replaces glutamic acid, which is acidic and polar, with alanine, which is neutral and non-polar, at codon 223 of the FANCF protein (p.Glu223Ala). This variant is not present in population databases (gnomAD no frequency). This variant has not been reported in the literature in individuals affected with FANCF-related conditions. Algorithms developed to predict the effect of missense changes on protein structure and function output the following: SIFT: "Not Available"; PolyPhen-2: "Benign"; Align-GVGD: "Not Available". The alanine amino acid residue is found in multiple mammalian species, which suggests that this missense change does not adversely affect protein function. In summary, the available evidence is currently insufficient to determine the role of this variant in disease. Therefore, it has been classified as a Variant of Uncertain Significance.